The following is an entry in ClinVar:

NM_003801.4(GPAA1):c.961G>A (p.Gly321Ser)

Gene: GPAA1 (glycosylphosphatidylinositol anchor attachment 1; plus strand). Cytogenetic location: 8q24.3.
Variant type: single nucleotide variant.
Coding change: c.961G>A on transcript NM_003801.4 (MANE Select); coding-DNA position 961, G replaced by A.
Protein change: p.Gly321Ser; replaces glycine 321 with serine.
Molecular consequence: missense variant.
Genome position (GRCh38, 1-based): chr8:144,084,560, G>A. VCF-style: chr8-144084560-G-A. GRCh37 (hg19) VCF-style: chr8-145139463-G-A.
Other names: c.961G>A (NM_003801.3); short protein forms G321S.
Identifiers: ClinVar variation 1399677 (VCV001399677.4), dbSNP rs202176164, ClinGen allele CA4932984.

ClinVar aggregate classification (germline): Uncertain significance. Review status: criteria provided, multiple submitters, no conflicts (2 of 4 stars). 2 submissions from 2 submitters: Uncertain significance (2). Last evaluated 2024-11-09.

Conditions:
Inborn genetic diseases. Identifiers: MedGen C0950123, MeSH D030342.

Allele frequency attached by ClinVar (database versions not stated): gnomAD 0.00005 and 0.00006; gnomAD exomes 0.00005 and 0.00006; TOPMed 0.00006; ExAC 0.00009; ESP Exome Variant Server 0.00024.

Submissions (2):

Ambry Genetics
Classification: Uncertain significance for Inborn genetic diseases. Last evaluated: 2024-11-09. Review status: criteria provided, single submitter. Criteria: Ambry Variant Classification Scheme 2023. Collection method: clinical testing. Allele origin: germline.

Labcorp Genetics (formerly Invitae), Labcorp
Classification: Uncertain significance. Last evaluated: 2022-03-26. Review status: criteria provided, single submitter. Criteria: Invitae Variant Classification Sherloc (09022015). Collection method: clinical testing. Allele origin: germline.
Comment: This sequence change replaces glycine, which is neutral and non-polar, with serine, which is neutral and polar, at codon 321 of the GPAA1 protein (p.Gly321Ser). This variant is present in population databases (rs202176164, gnomAD 0.01%). This variant has not been reported in the literature in individuals affected with GPAA1-related conditions. Algorithms developed to predict the effect of missense changes on protein structure and function are either unavailable or do not agree on the potential impact of this missense change (SIFT: "Tolerated"; PolyPhen-2: "Possibly Damaging"; Align-GVGD: "Class C0"). Algorithms developed to predict the effect of sequence changes on RNA splicing suggest that this variant may create or strengthen a splice site. In summary, the available evidence is currently insufficient to determine the role of this variant in disease. Therefore, it has been classified as a Variant of Uncertain Significance.